The following is an entry in ClinVar:

ClinVar aggregate classification (germline): Likely benign (1 of 4 stars; one submission).

Conditions:
Intellectual developmental disorder with hypotonia, impaired speech, and dysmorphic facies (IDDHISD). Identifiers: MedGen C5561997, MONDO:0859197, OMIM 619556.

Submission:

Centre for Medical Genetics,  Mumbai
Classification: Likely benign for Intellectual developmental disorder with hypotonia, impaired speech, and dysmorphic facies. Last evaluated: 2026-04-06. Review status: criteria provided, single submitter. Criteria: ACMG Guidelines, 2015. Collection method: provider interpretation. Allele origin: germline. Inheritance: Autosomal dominant inheritance. Affected: no. Observed: 1 variant allele, 1 heterozygote.
Comment: The variant satisfies PM2 criteria; Extremely low frequency in gnomAD population databases. However, the variant satisfies BS2 criteria.

Literature cited by the submitters: PubMed 34314705.

NM_001382241.1(TNPO2):c.951+4del

Gene: TNPO2 (transportin 2; minus strand). Cytogenetic location: 19p13.13.
Variant type: Deletion.
Coding change: c.951+4del on transcript NM_001382241.1 (MANE Select); 4 bases into the intron after coding-DNA position 951, one base deleted (A; older notation c.951+4delA).
Molecular consequence: intron variant.
Genome position (GRCh38, 1-based): chr19:12,711,549, T deleted on the plus strand (A on the coding strand, the reverse complement: TNPO2 is on the minus strand). VCF-style (leftmost placement, unchanged base first): chr19-12711548-CT-C. GRCh37 (hg19) VCF-style: chr19-12822362-CT-C.
Other names: c.951+4del (NM_001382237.1, NM_001382240.1, NM_001382238.1 and 7 more transcripts).
Identifiers: ClinVar variation 4851326 (VCV004851326.1).
Genomic context (GRCh38, chr19:12,711,548, plus strand): 5'-CTTTGGGGACCACAGCCGCGACACCCACGCCCATGCCCACCCATGCTGGGTGGGCCCTGC[CT>C]GACCTTGAGCAGGATGATGTCAATTTCCGAGTACTTCATCCCATTCACCAAGATGGGGAT-3'